The following is an entry in ClinVar:

ClinVar aggregate classification (germline): Uncertain significance. Review status: criteria provided, multiple submitters, no conflicts (2 of 4 stars). 5 submissions from 5 submitters: Uncertain significance (4). 1 of the submissions does not count toward it. Last evaluated 2025-11-07.

Conditions:
Inborn genetic diseases. Identifiers: MedGen C0950123, MeSH D030342.
Niemann-Pick disease, type C1. Also called: NIEMANN-PICK DISEASE, VARIANT TYPE C1; NEUROVISCERAL STORAGE DISEASE WITH VERTICAL SUPRANUCLEAR OPHTHALMOPLEGIA; NIEMANN-PICK DISEASE WITH CHOLESTEROL ESTERIFICATION BLOCK; NIEMANN-PICK DISEASE WITHOUT SPHINGOMYELINASE DEFICIENCY; NIEMANN-PICK DISEASE, CHRONIC NEURONOPATHIC FORM. Identifiers: Orphanet 646, MedGen C3179455, MONDO:0009757, OMIM 257220.

Allele frequency attached by ClinVar (database versions not stated): gnomAD exomes 0.00001 and 0.00004; ExAC 0.00007; gnomAD 0.00011 and 0.00012; TOPMed 0.00012; ESP Exome Variant Server 0.00046.

Submissions (5):

Women's Health and Genetics/Laboratory Corporation of America, LabCorp
Classification: Uncertain significance. Last evaluated: 2025-11-07. Review status: criteria provided, single submitter. Criteria: LabCorp Variant Classification Summary - May 2015. Collection method: clinical testing. Allele origin: germline.
Comment: Variant summary: NPC1 c.466A>G (p.Met156Val) results in a conservative amino acid change in the encoded protein sequence. Algorithms developed to predict the effect of missense changes on protein structure and function are either unavailable or do not agree on the potential impact of this missense change. Consensus agreement among computation tools predict no significant impact on normal splicing. However, these predictions have yet to be confirmed by functional studies. The variant allele was found at a frequency of 4.4e-05 in 251434 control chromosomes. This frequency is not significantly higher than estimated for disease-causing variants in NPC1, allowing no conclusion about variant significance. To our knowledge, no occurrence of c.466A>G in individuals affected with NPC1-related conditions and no experimental evidence demonstrating its impact on protein function have been reported. ClinVar contains an entry for this variant (Variation ID: 1204538). Based on the evidence outlined above, the variant was classified as uncertain significance.

GeneDx
Classification: Uncertain significance. Last evaluated: 2024-09-06. Review status: criteria provided, single submitter. Criteria: GeneDx Variant Classification Process June 2021. Collection method: clinical testing. Allele origin: germline. Affected: yes.
Comment: In silico analysis supports a deleterious effect on splicing; In silico analysis indicates that this missense variant does not alter protein structure/function; Has not been previously reported as pathogenic or benign to our knowledge

Ambry Genetics
Classification: Uncertain significance for Inborn genetic diseases. Last evaluated: 2024-08-23. Review status: criteria provided, single submitter. Criteria: Ambry Variant Classification Scheme 2023. Collection method: clinical testing. Allele origin: germline.

Labcorp Genetics (formerly Invitae), Labcorp
Classification: Uncertain significance for Niemann-Pick disease, type C1. Last evaluated: 2022-07-06. Review status: criteria provided, single submitter. Criteria: Invitae Variant Classification Sherloc (09022015). Collection method: clinical testing. Allele origin: germline.
Comment: This sequence change replaces methionine, which is neutral and non-polar, with valine, which is neutral and non-polar, at codon 156 of the NPC1 protein (p.Met156Val). This variant is present in population databases (rs149074243, gnomAD 0.06%). This variant has not been reported in the literature in individuals affected with NPC1-related conditions. ClinVar contains an entry for this variant (Variation ID: 1204538). Algorithms developed to predict the effect of missense changes on protein structure and function are either unavailable or do not agree on the potential impact of this missense change (SIFT: "Tolerated"; PolyPhen-2: "Possibly Damaging"; Align-GVGD: "Class C0"). Algorithms developed to predict the effect of sequence changes on RNA splicing suggest that this variant may create or strengthen a splice site. In summary, the available evidence is currently insufficient to determine the role of this variant in disease. Therefore, it has been classified as a Variant of Uncertain Significance.

Natera, Inc.
Classification: Uncertain significance for Niemann-Pick disease type C1. Last evaluated: 2020-05-07. Review status: no assertion criteria provided. Collection method: clinical testing. Allele origin: germline. Not counted in ClinVar's aggregate classification.

NM_000271.5(NPC1):c.466A>G (p.Met156Val)

Gene: NPC1 (NPC intracellular cholesterol transporter 1; minus strand). Cytogenetic location: 18q11.2.
Variant type: single nucleotide variant.
Coding change: c.466A>G on transcript NM_000271.5 (MANE Select); coding-DNA position 466, A replaced by G.
Protein change: p.Met156Val; replaces methionine 156 with valine.
Molecular consequence: missense variant.
Genome position (GRCh38, 1-based): chr18:23,561,525, T>C on the plus strand (A>G on the coding strand, the complement: NPC1 is on the minus strand). VCF-style: chr18-23561525-T-C. GRCh37 (hg19) VCF-style: chr18-21141489-T-C.
Other names: short protein forms M156V.
Identifiers: ClinVar variation 1204538 (VCV001204538.10), dbSNP rs149074243, ClinGen allele CA8913724.
Genomic context (GRCh38, chr18:23,561,525, plus strand): 5'-GGAGTCCCAGGGCCTTGTCATTACTTGAGGGGGCCTCCACATCCCGGCAGGCATTGTACA[T>C]TGCTAGAAGAGGAAACCCAAAGGAAAAAGGAGACAAGATGCTTGCTGTAATTCACGAGGC-3'
Protein context (NP_000262.2, residues 146-166): YYVGQSFANA[Met156Val]YNACRDVEAP